The following is an entry in ClinVar:

ClinVar aggregate classification (germline): Conflicting classifications of pathogenicity. Review status: criteria provided, conflicting classifications (1 of 4 stars). 5 submissions from 5 submitters: Uncertain significance (3); Likely benign (1). 1 of the submissions does not count toward it. Last evaluated 2025-04-09.

Conditions:
Familial sleep-related hypermotor epilepsy. Also called: Autosomal Dominant Sleep-Related Hypermotor (Hyperkinetic) Epilepsy. Identifiers: Orphanet 98784, MedGen C3696898, MONDO:0000030.
Inborn genetic diseases. Identifiers: MedGen C0950123, MeSH D030342.
Autosomal dominant nocturnal frontal lobe epilepsy 1. Also called: CHRNA4-Related Nocturnal Frontal Lobe Epilepsy, Autosomal Dominant; EPILEPSY, NOCTURNAL FRONTAL LOBE, TYPE 1. Identifiers: Orphanet 98784, MedGen C1838049, MONDO:0010899, OMIM 600513.
Tobacco addiction, susceptibility to. Also called: CIGARETTE HABITUATION, SUSCEPTIBILITY TO. Identifiers: MedGen C1861063, MONDO:0100460, OMIM 188890.

Allele frequency attached by ClinVar (database versions not stated): gnomAD 0.00007 and 0.00009; TOPMed 0.00017; gnomAD exomes 0.00001.
gnomAD v4.1: 22 of 1,529,994 alleles (0.0014%); highest among the groups gnomAD compares: Admixed American, 0.032%; no homozygotes.

Submissions (5):

Labcorp Genetics (formerly Invitae), Labcorp
Classification: Likely benign. Last evaluated: 2025-04-09. Review status: criteria provided, single submitter. Criteria: Invitae Variant Classification Sherloc (09022015). Collection method: clinical testing. Allele origin: germline.

GeneDx
Classification: Uncertain significance. Last evaluated: 2019-10-14. Review status: criteria provided, single submitter. Criteria: GeneDx Variant Classification Process June 2021. Collection method: clinical testing. Allele origin: germline. Affected: yes.
Comment: Not observed at a significant frequency in large population cohorts (Lek et al., 2016); In silico analysis, which includes protein predictors and evolutionary conservation, supports that this variant does not alter protein structure/function; Has not been previously published as pathogenic or benign to our knowledge; This amino acid substitution is not predicted to occur within the transmembrane region of the protein, where the vast majority of pathogenic missense variants have been identified in association with epilepsy (Steinlein et al., 2010)

Athena Diagnostics
Classification: Uncertain significance. Last evaluated: 2019-03-01. Review status: criteria provided, single submitter. Criteria: Athena Diagnostics Criteria. Collection method: clinical testing. Allele origin: germline.

Ambry Genetics
Classification: Uncertain significance for Inborn genetic diseases. Last evaluated: 2017-07-24. Review status: criteria provided, single submitter. Criteria: Ambry Variant Classification Scheme 2023. Collection method: clinical testing. Allele origin: germline.
Comment: The p.K439T variant (also known as c.1316A>C), located in coding exon 5 of the CHRNA4 gene, results from an A to C substitution at nucleotide position 1316. The lysine at codon 439 is replaced by threonine, an amino acid with similar properties. This amino acid position is not well conserved in available vertebrate species. In addition, this alteration is predicted to be tolerated by in silico analysis. Since supporting evidence is limited at this time, the clinical significance of this alteration remains unclear.

Division of Human Genetics, Children's Hospital of Philadelphia
Classification: Uncertain significance for Autosomal dominant nocturnal frontal lobe epilepsy 1; Tobacco addiction, susceptibility to. Last evaluated: 2016-04-14. Review status: no assertion criteria provided. Collection method: research. Allele origin: paternal. Affected: yes. Study: CSER-PediSeq. Not counted in ClinVar's aggregate classification.

Literature cited by the submitters: PubMed 9339675 (cited by Division of Human Genetics, Children's Hospital of Philadelphia); PubMed 20016990 (cited by Division of Human Genetics, Children's Hospital of Philadelphia).

NM_000744.7(CHRNA4):c.1316A>C (p.Lys439Thr)

Gene: CHRNA4 (cholinergic receptor nicotinic alpha 4 subunit; minus strand). Cytogenetic location: 20q13.33.
Variant type: single nucleotide variant.
Coding change: c.1316A>C on transcript NM_000744.7 (MANE Select); coding-DNA position 1316, A replaced by C.
Protein change: p.Lys439Thr; replaces lysine 439 with threonine.
Molecular consequence: missense variant. On other transcripts: non-coding transcript variant (1).
Genome position (GRCh38, 1-based): chr20:63,350,095, T>G on the plus strand (A>C on the coding strand, the complement: CHRNA4 is on the minus strand). VCF-style: chr20-63350095-T-G. GRCh37 (hg19) VCF-style: chr20-61981447-T-G.
Other names: p.K439T:AAA>ACA; c.788A>C, p.Lys263Thr (NM_001256573.2); short protein forms K439T, K263T.
Identifiers: ClinVar variation 205026 (VCV000205026.17), dbSNP rs796052318, ClinGen allele CA313571.